The following is an entry in ClinVar:

ClinVar aggregate classification (germline): Pathogenic (1 of 4 stars; one submission).

Conditions:
Glycogen storage disease type III (GSD3). Also called: Cori disease; FORBES DISEASE. Identifiers: Orphanet 366, MedGen C0017922, MONDO:0009291, OMIM 232400.

Submission:

Labcorp Genetics (formerly Invitae), Labcorp
Classification: Pathogenic for Glycogen storage disease type III. Last evaluated: 2020-01-07. Review status: criteria provided, single submitter. Criteria: Invitae Variant Classification Sherloc (09022015). Collection method: clinical testing. Allele origin: germline.
Comment: This variant is an out-of-frame deletion of the genomic region encompassing 8-12 of the AGL gene. This is expected to create a premature translational stop signal and result in an absent or disrupted protein product. This variant has not been reported in the literature in individuals with AGL-related conditions. Loss-of-function variants in AGL are known to be pathogenic (PMID: 19299494). For these reasons, this variant has been classified as Pathogenic.

Literature cited by the submitters: PubMed 19299494.

NC_000001.10:g.(?_100340233)_(100343394_?)del

Gene: AGL (amylo-alpha-1,6-glucosidase and 4-alpha-glucanotransferase; plus strand). Cytogenetic location: 1p21.2.
Variant type: Deletion.
Identifiers: ClinVar variation 1075611 (VCV001075611.4).